The following is an entry in ClinVar:

ClinVar aggregate classification (germline): Uncertain significance (1 of 4 stars; one submission).

Submission:

Labcorp Genetics (formerly Invitae), Labcorp
Classification: Uncertain significance. Last evaluated: 2025-04-23. Review status: criteria provided, single submitter. Criteria: Invitae Variant Classification Sherloc (09022015). Collection method: clinical testing. Allele origin: germline.
Comment: This sequence change replaces alanine, which is neutral and non-polar, with threonine, which is neutral and polar, at codon 163 of the MCM5 protein (p.Ala163Thr). This variant is not present in population databases (gnomAD no frequency). This variant has not been reported in the literature in individuals affected with MCM5-related conditions. Invitae Evidence Modeling of protein sequence and biophysical properties (such as structural, functional, and spatial information, amino acid conservation, physicochemical variation, residue mobility, and thermodynamic stability) indicates that this missense variant is not expected to disrupt MCM5 protein function with a negative predictive value of 80%. In summary, the available evidence is currently insufficient to determine the role of this variant in disease. Therefore, it has been classified as a Variant of Uncertain Significance.

NM_006739.4(MCM5):c.487G>A (p.Ala163Thr)

Gene: MCM5 (minichromosome maintenance complex component 5; plus strand). Cytogenetic location: 22q12.3.
Variant type: single nucleotide variant.
Coding change: c.487G>A on transcript NM_006739.4 (MANE Select); coding-DNA position 487, G replaced by A.
Protein change: p.Ala163Thr; replaces alanine 163 with threonine.
Molecular consequence: missense variant.
Genome position (GRCh38, 1-based): chr22:35,406,616, G>A. VCF-style: chr22-35406616-G-A. GRCh37 (hg19) VCF-style: chr22-35802609-G-A.
Other names: short protein forms A163T.
Identifiers: ClinVar variation 4742081 (VCV004742081.1).